The following is an entry in ClinVar:

ClinVar aggregate classification (germline): Pathogenic/Likely pathogenic. Review status: criteria provided, multiple submitters, no conflicts (2 of 4 stars). 3 submissions from 3 submitters: Pathogenic (2); Likely pathogenic (1). Last evaluated 2024-10-01.

Conditions:
Early-infantile DEE. Also called: Early infantile epileptic encephalopathy; Early infantile epileptic encephalopathy with suppression bursts; Ohtahara syndrome. Identifiers: Orphanet 1934, MedGen C0393706, MONDO:0800491.
GNAO1-related disorder. Also called: GNAO1-related condition; GNAO1-Related Disorders. Identifiers: MedGen CN381308.

Allele frequency attached by ClinVar (database versions not stated): gnomAD exomes below 0.00001.
gnomAD v4.1: 1 of 1,613,008 alleles (0.000062%); highest among the groups gnomAD compares: South Asian, 0.0011%; no homozygotes.

Submissions (3):

GeneDx
Classification: Pathogenic. Last evaluated: 2024-10-01. Review status: criteria provided, single submitter. Criteria: GeneDx Variant Classification Process June 2021. Collection method: clinical testing. Allele origin: germline. Affected: yes.
Comment: Not observed at significant frequency in large population cohorts (gnomAD); In silico analysis supports that this missense variant has a deleterious effect on protein structure/function; This variant is associated with the following publications: (PMID: 33298085)

Labcorp Genetics (formerly Invitae), Labcorp
Classification: Pathogenic for Early-infantile DEE. Last evaluated: 2022-10-02. Review status: criteria provided, single submitter. Criteria: Invitae Variant Classification Sherloc (09022015). Collection method: clinical testing. Allele origin: germline.
Comment: For these reasons, this variant has been classified as Pathogenic. Advanced modeling of protein sequence and biophysical properties (such as structural, functional, and spatial information, amino acid conservation, physicochemical variation, residue mobility, and thermodynamic stability) performed at Invitae indicates that this missense variant is expected to disrupt GNAO1 protein function. ClinVar contains an entry for this variant (Variation ID: 1453470). This missense change has been observed in individual(s) with clinical features of progressive movement disorder (Invitae). In at least one individual the variant was observed to be de novo. This variant is not present in population databases (gnomAD no frequency). This sequence change replaces arginine, which is basic and polar, with leucine, which is neutral and non-polar, at codon 206 of the GNAO1 protein (p.Arg206Leu).

Blueprint Genetics
Classification: Likely pathogenic for GNAO1-related disorders. Last evaluated: 2022-08-23. Review status: criteria provided, single submitter. Criteria: ACMG Guidelines, 2015. Collection method: clinical testing. Allele origin: germline. Affected: yes. Observed: 1 variant allele.

NM_020988.3(GNAO1):c.617G>T (p.Arg206Leu)

Gene: GNAO1 (G protein subunit alpha o1; plus strand). Cytogenetic location: 16q13.
Variant type: single nucleotide variant.
Coding change: c.617G>T on transcript NM_020988.3 (MANE Select); coding-DNA position 617, G replaced by T.
Protein change: p.Arg206Leu; replaces arginine 206 with leucine.
Molecular consequence: missense variant.
Genome position (GRCh38, 1-based): chr16:56,336,754, G>T. VCF-style: chr16-56336754-G-T. GRCh37 (hg19) VCF-style: chr16-56370666-G-T.
Other names: c.617G>T, p.Arg206Leu (NM_138736.3); c.617G>T (NM_020988.2); short protein forms R206L.
Identifiers: ClinVar variation 1453470 (VCV001453470.11), dbSNP rs1297225571, ClinGen allele CA395952182.
Genomic context (GRCh38, chr16:56,336,754, plus strand): 5'-CTGGACCCTGCGCCTACCAGCTCCCTGCCTCCTACAGGCTGTTTGACGTCGGAGGCCAGC[G>T]ATCTGAACGCAAGAAGTGGATCCATTGCTTCGAGGACGTCACGGCCATCATTTTCTGTGT-3'
Protein context (NP_066268.1, residues 196-216): HFRLFDVGGQ[Arg206Leu]SERKKWIHCF